The following is an entry in ClinVar:

ClinVar aggregate classification (germline): Uncertain significance (1 of 4 stars; one submission).

Conditions:
Familial cancer of breast. Also called: BREAST CANCER, FAMILIAL; hereditary breast carcinoma; Hereditary breast cancer. Identifiers: Orphanet 227535, MedGen C0346153, MONDO:0016419, OMIM 114480. Disease mechanism: loss of function.

Submission:

Neuberg Centre For Genomic Medicine, NCGM
Classification: Uncertain significance for Familial cancer of breast. Review status: criteria provided, single submitter. Criteria: ACMG Guidelines, 2015. Collection method: clinical testing. Allele origin: germline. Inheritance: Autosomal dominant inheritance. Affected: yes.
Comment: The missense variant in c.1779T>G(p.His593Gln) in PALB2 gene has not been reported previously as a pathogenic variant nor as a benign variant, to our knowledge. The p.His593Gln variant is novel (not in any individuals) in gnomAD Exomes and 1000 Genomes. The amino acid change p.His593Gln in PALB2 is predicted as conserved by GERP++ and PhyloP across 100 vertebrates. The amino acid His at position 593 is changed to a Gln changing protein sequence and it might alter its composition and physico-chemical properties. For these reasons, this variant has been classified as Uncertain Significance (VUS).

NM_024675.4(PALB2):c.1779T>G (p.His593Gln)

Gene: PALB2 (partner and localizer of BRCA2; minus strand). Cytogenetic location: 16p12.2.
Variant type: single nucleotide variant.
Coding change: c.1779T>G on transcript NM_024675.4 (MANE Select); coding-DNA position 1779, T replaced by G.
Protein change: p.His593Gln; replaces histidine 593 with glutamine.
Molecular consequence: missense variant. On other transcripts: 5 prime UTR variant (2), intron variant (1).
Genome position (GRCh38, 1-based): chr16:23,630,375, A>C on the plus strand (T>G on the coding strand, the complement: PALB2 is on the minus strand). VCF-style: chr16-23630375-A-C. GRCh37 (hg19) VCF-style: chr16-23641696-A-C.
Other names: c.1719T>G, p.His573Gln (NM_001407296.1); c.1779T>G, p.His593Gln (NM_001407297.1, NM_001407298.1, NM_001407299.1 and 3 more transcripts); c.894T>G, p.His298Gln (NM_001407304.1, NM_001407305.1, NM_001407306.1 and 5 more transcripts); c.-10T>G (NM_001407312.1, NM_001407313.1); c.49-1100T>G (NM_001407314.1); short protein forms H298Q, H593Q, H573Q.
Identifiers: ClinVar variation 2585102 (VCV002585102.1), dbSNP rs1475548158, ClinGen allele CA395128152.